The following is an entry in ClinVar:

NM_006231.4(POLE):c.831G>C (p.Glu277Asp)

Gene: POLE (DNA polymerase epsilon, catalytic subunit; minus strand). Cytogenetic location: 12q24.33.
Variant type: single nucleotide variant.
Coding change: c.831G>C on transcript NM_006231.4 (MANE Select); coding-DNA position 831, G replaced by C.
Protein change: p.Glu277Asp; replaces glutamic acid 277 with aspartic acid.
Molecular consequence: missense variant.
Genome position (GRCh38, 1-based): chr12:132,676,624, C>G on the plus strand (G>C on the coding strand, the complement: POLE is on the minus strand). VCF-style: chr12-132676624-C-G. GRCh37 (hg19) VCF-style: chr12-133253210-C-G.
Other names: short protein forms E277D.
Identifiers: ClinVar variation 3375720 (VCV003375720.1).

ClinVar aggregate classification (germline): Uncertain significance (1 of 4 stars; one submission).

Submission:

GeneDx
Classification: Uncertain significance. Last evaluated: 2024-05-10. Review status: criteria provided, single submitter. Criteria: GeneDx Variant Classification Process June 2021. Collection method: clinical testing. Allele origin: germline. Affected: yes.
Comment: Not observed at significant frequency in large population cohorts (gnomAD); In silico analysis supports that this missense variant has a deleterious effect on protein structure/function; Has not been previously published as pathogenic or benign to our knowledge; This variant is associated with the following publications: (PMID: 20951805)